The following is an entry in ClinVar:

NM_007294.4(BRCA1):c.746C>T (p.Thr249Ile)

Gene: BRCA1 (BRCA1 DNA repair associated; minus strand). Cytogenetic location: 17q21.31.
Variant type: single nucleotide variant.
Coding change: c.746C>T on transcript NM_007294.4 (MANE Select); coding-DNA position 746, C replaced by T.
Protein change: p.Thr249Ile; replaces threonine 249 with isoleucine.
Molecular consequence: missense variant. On other transcripts: intron variant (13), 5 prime UTR variant (2).
Genome position (GRCh38, 1-based): chr17:43,094,785, G>A on the plus strand (C>T on the coding strand, the complement: BRCA1 is on the minus strand). VCF-style: chr17-43094785-G-A. GRCh37 (hg19) VCF-style: chr17-41246802-G-A.
Other names: c.746C>T, p.Thr249Ile (NM_007298.4, NM_007299.4, NM_007300.4 and 54 more transcripts); c.460+1061C>T (NM_001408506.1, NM_001408507.1); c.548-3753C>T (NM_001408494.1); c.670+1061C>T (NM_001408423.1, NM_001408420.1, NM_001408419.1 and 2 more transcripts); c.404-3753C>T (NM_001408511.1); c.667+1061C>T (NM_001408424.1, NM_001408421.1, NM_001408431.1); c.545-3753C>T (NM_001408495.1); c.743C>T, p.Thr248Ile (NM_001407627.1, NM_001407628.1, NM_001407629.1 and 38 more transcripts); and 20 more; short protein forms T160I, T179I, T223I, T249I, T137I, T178I, T208I, T248I.
Identifiers: ClinVar variation 2751325 (VCV002751325.3), dbSNP rs2054054165, ClinGen allele CA10600591.

ClinVar aggregate classification (germline): Uncertain significance (1 of 4 stars; one submission).

Conditions:
Hereditary breast ovarian cancer syndrome. Also called: Hereditary breast and ovarian cancer; Hereditary breast and ovarian cancer syndrome; Breast and ovarian cancer; BRCA1- and BRCA2-Associated Hereditary Breast and Ovarian Cancer; Hereditary breast and ovarian cancer syndrome (HBOC); Hereditary breast and/or ovarian cancer syndrome. Identifiers: Orphanet 145, MedGen C0677776, MeSH D061325, MONDO:0003582. Disease mechanism: loss of function.

Submission:

Labcorp Genetics (formerly Invitae), Labcorp
Classification: Uncertain significance for Hereditary breast ovarian cancer syndrome. Last evaluated: 2023-08-09. Review status: criteria provided, single submitter. Criteria: Invitae Variant Classification Sherloc (09022015). Collection method: clinical testing. Allele origin: germline.
Comment: This sequence change replaces threonine, which is neutral and polar, with isoleucine, which is neutral and non-polar, at codon 249 of the BRCA1 protein (p.Thr249Ile). This variant is not present in population databases (gnomAD no frequency). This variant has not been reported in the literature in individuals affected with BRCA1-related conditions. Advanced modeling of protein sequence and biophysical properties (such as structural, functional, and spatial information, amino acid conservation, physicochemical variation, residue mobility, and thermodynamic stability) performed at Invitae indicates that this missense variant is not expected to disrupt BRCA1 protein function. In summary, the available evidence is currently insufficient to determine the role of this variant in disease. Therefore, it has been classified as a Variant of Uncertain Significance.